The following is an entry in ClinVar:

NM_017617.5(NOTCH1):c.3373G>A (p.Ala1125Thr)

Gene: NOTCH1 (notch receptor 1; minus strand). Cytogenetic location: 9q34.3.
Variant type: single nucleotide variant.
Coding change: c.3373G>A on transcript NM_017617.5 (MANE Select); coding-DNA position 3373, G replaced by A.
Protein change: p.Ala1125Thr; replaces alanine 1125 with threonine.
Molecular consequence: missense variant.
Genome position (GRCh38, 1-based): chr9:136,508,092, C>T on the plus strand (G>A on the coding strand, the complement: NOTCH1 is on the minus strand). VCF-style: chr9-136508092-C-T. GRCh37 (hg19) VCF-style: chr9-139402544-C-T.
Other names: c.3373G>A, p.Ala1125Thr (LRG_1122t1); short protein forms A1125T.
Identifiers: ClinVar variation 647838 (VCV000647838.35), dbSNP rs767963898, ClinGen allele CA5340942.

ClinVar aggregate classification (germline): Conflicting classifications of pathogenicity. Review status: criteria provided, conflicting classifications (1 of 4 stars). 3 submissions from 3 submitters: Uncertain significance (2); Benign (1). Last evaluated 2025-11-28.

Conditions:
Adams-Oliver syndrome 5 (AOS5). Identifiers: Orphanet 974, MedGen C4014970, MONDO:0014459, OMIM 616028.
Familial thoracic aortic aneurysm and aortic dissection (TAAD). Also called: Thoracic aortic aneurysms and dissections. Identifiers: Orphanet 91387, MedGen C4707243, MONDO:0019625.

Allele frequency attached by ClinVar (database versions not stated): ExAC 0.00001; gnomAD exomes 0.00001; gnomAD 0.00003 and 0.00004; TOPMed 0.00003.
gnomAD v4.1: 22 of 1,609,356 alleles (0.0014%); highest among the groups gnomAD compares: African/African-American, 0.0067%; no homozygotes.

Submissions (3):

Labcorp Genetics (formerly Invitae), Labcorp
Classification: Benign for Adams-Oliver syndrome 5. Last evaluated: 2025-11-28. Review status: criteria provided, single submitter. Criteria: Invitae Variant Classification Sherloc (09022015). Collection method: clinical testing. Allele origin: germline.

Ambry Genetics
Classification: Uncertain significance for Familial thoracic aortic aneurysm and aortic dissection. Last evaluated: 2025-08-06. Review status: criteria provided, single submitter. Criteria: Ambry Variant Classification Scheme 2023. Collection method: clinical testing. Allele origin: germline.
Comment: The p.A1125T variant (also known as c.3373G>A), located in coding exon 21 of the NOTCH1 gene, results from a G to A substitution at nucleotide position 3373. The alanine at codon 1125 is replaced by threonine, an amino acid with similar properties. This amino acid position is conserved. In addition, this alteration is predicted to be tolerated by in silico analysis. Since supporting evidence is limited at this time, the clinical significance of this alteration remains unclear.

CeGaT Center for Human Genetics Tuebingen
Classification: Uncertain significance. Last evaluated: 2022-10-01. Review status: criteria provided, single submitter. Criteria: CeGaT Center For Human Genetics Tuebingen Variant Classification Criteria Version 2. Collection method: clinical testing. Allele origin: germline. Affected: yes. Observed: 1 variant allele.
Comment: NOTCH1: PP2, BP4